The following is an entry in ClinVar:

NM_152443.3(RDH12):c.536A>T (p.His179Leu)

Genes: RDH12 (retinol dehydrogenase 12; plus strand), GPHN (gephyrin; plus strand). Cytogenetic location: 14q24.1.
Variant type: single nucleotide variant.
Coding change: c.536A>T on transcript NM_152443.3 (MANE Select); coding-DNA position 536, A replaced by T.
Protein change: p.His179Leu; replaces histidine 179 with leucine.
Molecular consequence: missense variant.
Genome position (GRCh38, 1-based): chr14:67,727,068, A>T. VCF-style: chr14-67727068-A-T. GRCh37 (hg19) VCF-style: chr14-68193785-A-T.
Other names: short protein forms H179L.
Identifiers: ClinVar variation 1976698 (VCV001976698.5), dbSNP rs140895705, ClinGen allele CA390150974.

ClinVar aggregate classification (germline): Uncertain significance (1 of 4 stars; one submission).

Conditions:
Leber congenital amaurosis 13 (LCA13). Identifiers: MedGen C2675186, MONDO:0012990, OMIM 612712.

gnomAD v4.1: 3 of 1,614,010 alleles (0.00019%); highest among the groups gnomAD compares: African/African-American, 0.004%; no homozygotes.

Submission:

Labcorp Genetics (formerly Invitae), Labcorp
Classification: Uncertain significance for Leber congenital amaurosis 13. Last evaluated: 2022-05-21. Review status: criteria provided, single submitter. Criteria: Invitae Variant Classification Sherloc (09022015). Collection method: clinical testing. Allele origin: germline.
Comment: In summary, the available evidence is currently insufficient to determine the role of this variant in disease. Therefore, it has been classified as a Variant of Uncertain Significance. This variant disrupts the p.His179 amino acid residue in RDH12. Other variant(s) that disrupt this residue have been determined to be pathogenic (PMID: 28471114, 30134391). This suggests that this residue is clinically significant, and that variants that disrupt this residue are likely to be disease-causing. Algorithms developed to predict the effect of missense changes on protein structure and function output the following: SIFT: "Tolerated"; PolyPhen-2: "Benign"; Align-GVGD: "Class C0". The leucine amino acid residue is found in multiple mammalian species, which suggests that this missense change does not adversely affect protein function. This variant has not been reported in the literature in individuals affected with RDH12-related conditions. This variant is not present in population databases (gnomAD no frequency). This sequence change replaces histidine, which is basic and polar, with leucine, which is neutral and non-polar, at codon 179 of the RDH12 protein (p.His179Leu).

Literature cited by the submitters: PubMed 28471114; PubMed 30134391.